The following is an entry in ClinVar:

ClinVar aggregate classification (germline): Uncertain significance (1 of 4 stars; one submission).

Conditions:
Spinocerebellar ataxia, autosomal recessive, with axonal neuropathy 1 (SCAN1). Identifiers: Orphanet 94124, MedGen C4759870, MONDO:0011801, OMIM 607250.

gnomAD v4.1: 23 of 1,602,754 alleles (0.0014%); highest among the groups gnomAD compares: South Asian, 0.0022%; no homozygotes.

Submission:

ARUP Laboratories, Molecular Genetics and Genomics, ARUP Laboratories
Classification: Uncertain significance for Spinocerebellar ataxia, autosomal recessive, with axonal neuropathy 1. Last evaluated: 2025-05-27. Review status: criteria provided, single submitter. Criteria: ARUP Molecular Germline Variant Investigation Process 2024. Collection method: clinical testing. Allele origin: germline.
Comment: The TDP1 c.394G>A; p.Ala132Thr variant (rs761433325), to our knowledge, is not reported in the medical literature or gene specific databases. This variant is only observed on three alleles in the Genome Aggregation Database (v2.1.1), indicating it is not a common polymorphism. Computational analyses predict that this variant is neutral (REVEL: 0.02). Due to limited information, the clinical significance of this variant is uncertain at this time.

NM_018319.4(TDP1):c.394G>A (p.Ala132Thr)

Genes: TDP1 (tyrosyl-DNA phosphodiesterase 1; plus strand), LOC126862019 (CDK7 strongly-dependent group 2 enhancer GRCh37_chr14:90429220-90430419; plus strand). Cytogenetic location: 14q32.11.
Variant type: single nucleotide variant.
Coding change: c.394G>A on transcript NM_018319.4 (MANE Select); coding-DNA position 394, G replaced by A.
Protein change: p.Ala132Thr; replaces alanine 132 with threonine.
Molecular consequence: missense variant.
Genome position (GRCh38, 1-based): chr14:89,963,508, G>A. VCF-style: chr14-89963508-G-A. GRCh37 (hg19) VCF-style: chr14-90429852-G-A.
Other names: c.394G>A, p.Ala132Thr (NM_001008744.2, NM_001330205.2); short protein forms A132T.
Identifiers: ClinVar variation 4685848 (VCV004685848.1).
Genomic context (GRCh38, chr14:89,963,508, plus strand): 5'-AAGGAGAAAGACATCTCTGCTCCCAATGACGGCACTGCCCAAAGAACTGAAAATCATGGC[G>A]CTCCCGCCTGCCACAGGCTCAAAGAGGAGGAAGACGAGTATGAGACATCAGGGGAGGGCC-3'
Protein context (NP_060789.2, residues 122-142): GTAQRTENHG[Ala132Thr]PACHRLKEEE